The following is an entry in ClinVar:

NC_000023.11:g.15335567T>C

Variant type: single nucleotide variant.
Genome position: GRCh38 VCF-style: chrX-15335567-T-C. GRCh37 (hg19) VCF-style: chrX-15353689-T-C.
Identifiers: ClinVar variation 3255237 (VCV003255237.2), dbSNP rs4830938.

ClinVar aggregate classification (germline): Benign (1 of 4 stars; one submission).

Submission:

Unidad de Genómica Garrahan, Hospital de Pediatría Garrahan
Classification: Benign. Last evaluated: 2024-07-15. Review status: criteria provided, single submitter. Criteria: ACMG Guidelines, 2015. Collection method: clinical testing. Allele origin: germline. Affected: no. Observed: 75 variant alleles.
Comment: This variant is classified as Benign based on local population frequency. This variant was detected in 81% of patients studied in a panel designed for Epileptic and Developmental Encephalopathy and Progressive Myoclonus Epilepsy. Number of patients: 75. Only high quality variants are reported.